The following is an entry in ClinVar:

ClinVar aggregate classification (germline): Likely benign. Review status: criteria provided, multiple submitters, no conflicts (2 of 4 stars). 4 submissions from 4 submitters: Likely benign (3). 1 of the submissions does not count toward it. Last evaluated 2024-02-25.

Conditions:
RYR1-related disorder. Also called: RYR1-related condition; RYR1-related disorders. Identifiers: MedGen CN239331.
Malignant hyperthermia, susceptibility to, 1 (MHS1). Also called: RYR1-Related Malignant Hyperthermia Susceptibility; Anesthesia related hyperthermia; Malignant hyperpyrexia; Fulminating hyperpyrexia; Pharmacogenic myopathy; Malignant hyperthermia suceptibility 1. Identifiers: Orphanet 423, MedGen C2930980, MONDO:0007783, OMIM 145600.

Allele frequency attached by ClinVar (database versions not stated): TOPMed below 0.00001; gnomAD exomes 0.00001 and 0.00002; ExAC 0.00002; gnomAD 0.00002.
gnomAD v4.1: 15 of 1,614,044 alleles (0.00093%); highest among the groups gnomAD compares: Admixed American, 0.005%; no homozygotes.

Submissions (4):

Labcorp Genetics (formerly Invitae), Labcorp
Classification: Likely benign for RYR1-related disorder. Last evaluated: 2024-02-25. Review status: criteria provided, single submitter. Criteria: Invitae Variant Classification Sherloc (09022015). Collection method: clinical testing. Allele origin: germline.

Color Diagnostics, LLC DBA Color Health
Classification: Likely benign for Malignant hyperthermia, susceptibility to, 1. Last evaluated: 2023-08-16. Review status: criteria provided, single submitter. Criteria: ACMG Guidelines, 2015. Collection method: clinical testing. Allele origin: germline.

CeGaT Center for Human Genetics Tuebingen
Classification: Likely benign. Last evaluated: 2021-10-01. Review status: criteria provided, single submitter. Criteria: CeGaT Center For Human Genetics Tuebingen Variant Classification Criteria Version 2. Collection method: clinical testing. Allele origin: germline. Affected: yes. Observed: 2 variant alleles.

PreventionGenetics, part of Exact Sciences
Classification: Likely benign for RYR1-related condition. Last evaluated: 2019-06-12. Review status: no assertion criteria provided. Collection method: clinical testing. Allele origin: germline. Not counted in ClinVar's aggregate classification.
Comment: This variant is classified as likely benign based on ACMG/AMP sequence variant interpretation guidelines (Richards et al. 2015 PMID: 25741868, with internal and published modifications).

NM_000540.3(RYR1):c.3522C>T (p.Ser1174=)

Gene: RYR1 (ryanodine receptor 1; plus strand). Cytogenetic location: 19q13.2.
Variant type: single nucleotide variant.
Coding change: c.3522C>T on transcript NM_000540.3 (MANE Select); coding-DNA position 3522, C replaced by T.
Protein change: p.Ser1174=; no amino-acid change (serine 1174 retained).
Molecular consequence: synonymous variant.
Genome position (GRCh38, 1-based): chr19:38,469,106, C>T. VCF-style: chr19-38469106-C-T. GRCh37 (hg19) VCF-style: chr19-38959746-C-T.
Other names: c.3522C>T, p.Ser1174= (NM_001042723.2); c.3522C>T (NM_000540.2).
Identifiers: ClinVar variation 1114766 (VCV001114766.43), dbSNP rs559858324, ClinGen allele CA064957.